The following is an entry in ClinVar:

ClinVar aggregate classification (germline): Uncertain significance. Review status: criteria provided, multiple submitters, no conflicts (2 of 4 stars). 4 submissions from 4 submitters: Uncertain significance (4). Last evaluated 2026-05-26.

Conditions:
Multiple endocrine neoplasia, type 2 (MEN2). Identifiers: Orphanet 653, MedGen C4048306, MONDO:0019003. Disease mechanism: gain of function.
Hereditary cancer-predisposing syndrome. Also called: Tumor predisposition; Hereditary Cancer Syndrome; Hereditary neoplastic syndrome; Neoplastic Syndromes, Hereditary. Identifiers: Orphanet 140162, MedGen C0027672, MeSH D009386, MONDO:0015356.

gnomAD v4.1: 1 of 1,612,486 alleles (0.000062%); highest among the groups gnomAD compares: Non-Finnish European, 0.000085%; no homozygotes.

Submissions (4):

Ambry Genetics
Classification: Uncertain significance for Hereditary cancer-predisposing syndrome. Last evaluated: 2026-05-26. Review status: criteria provided, single submitter. Criteria: Ambry Variant Classification Scheme 2023. Collection method: clinical testing. Allele origin: germline.
Comment: The p.E265K variant (also known as c.793G>A), located in coding exon 4 of the RET gene, results from a G to A substitution at nucleotide position 793. The glutamic acid at codon 265 is replaced by lysine, an amino acid with similar properties. This amino acid position is highly conserved in available vertebrate species. In addition, this alteration is predicted to be deleterious by in silico analysis. Based on the available evidence, the clinical significance of this variant remains unclear.

Color Diagnostics, LLC DBA Color Health
Classification: Uncertain significance for Multiple endocrine neoplasia, type 2. Last evaluated: 2025-10-20. Review status: criteria provided, single submitter. Criteria: ACMG Guidelines, 2015. Collection method: clinical testing. Allele origin: germline.
Comment: This missense variant replaces glutamic acid with lysine at codon 265 of the RET protein. Computational predictions are inconclusive regarding the impact of this variant on protein structure and function. To our knowledge, functional studies have not been reported for this variant. This variant has not been reported in individuals affected with RET-related disorders in the literature. This variant has been identified in 1/1460264 chromosomes in the general population by the Genome Aggregation Database (gnomAD). The available evidence is insufficient to determine the role of this variant in disease conclusively. Therefore, this variant is classified as a Variant of Uncertain Significance.

GeneDx
Classification: Uncertain significance. Last evaluated: 2022-12-22. Review status: criteria provided, single submitter. Criteria: GeneDx Variant Classification Process June 2021. Collection method: clinical testing. Allele origin: germline. Affected: yes.
Comment: Not observed at significant frequency in large population cohorts (gnomAD); In silico analysis supports that this missense variant does not alter protein structure/function; Has not been previously published as pathogenic or benign to our knowledge; This variant is associated with the following publications: (PMID: 14633923)

Labcorp Genetics (formerly Invitae), Labcorp
Classification: Uncertain significance for Multiple endocrine neoplasia, type 2. Last evaluated: 2022-04-20. Review status: criteria provided, single submitter. Criteria: Invitae Variant Classification Sherloc (09022015). Collection method: clinical testing. Allele origin: germline.
Comment: This sequence change replaces glutamic acid, which is acidic and polar, with lysine, which is basic and polar, at codon 265 of the RET protein (p.Glu265Lys). This variant is not present in population databases (gnomAD no frequency). This variant has not been reported in the literature in individuals affected with RET-related conditions. Algorithms developed to predict the effect of missense changes on protein structure and function (SIFT, PolyPhen-2, Align-GVGD) all suggest that this variant is likely to be tolerated. In summary, the available evidence is currently insufficient to determine the role of this variant in disease. Therefore, it has been classified as a Variant of Uncertain Significance.

NM_020975.6(RET):c.793G>A (p.Glu265Lys)

Gene: RET (ret proto-oncogene; plus strand). Cytogenetic location: 10q11.21.
Variant type: single nucleotide variant.
Coding change: c.793G>A on transcript NM_020975.6 (MANE Select); coding-DNA position 793, G replaced by A.
Protein change: p.Glu265Lys; replaces glutamic acid 265 with lysine.
Molecular consequence: missense variant.
Genome position (GRCh38, 1-based): chr10:43,105,119, G>A. VCF-style: chr10-43105119-G-A. GRCh37 (hg19) VCF-style: chr10-43600567-G-A.
Other names: c.793G>A, p.Glu265Lys (NM_000323.2, NM_001406743.1, NM_001406744.1 and 8 more transcripts); c.31G>A, p.Glu11Lys (NM_001355216.2); c.664G>A, p.Glu222Lys (NM_001406761.1, NM_001406762.1, NM_001406764.1 and 2 more transcripts); c.505G>A, p.Glu169Lys (NM_001406766.1, NM_001406767.1, NM_001406770.1); short protein forms E222K, E265K, E11K, E169K.
Identifiers: ClinVar variation 2128265 (VCV002128265.7), dbSNP rs2132707488, ClinGen allele CA376545100.